The following is an entry in ClinVar:

ClinVar aggregate classification (germline): Pathogenic/Likely pathogenic. Review status: criteria provided, multiple submitters, no conflicts (2 of 4 stars). 2 submissions from 2 submitters: Pathogenic (1); Likely pathogenic (1). Last evaluated 2022-04-10.

Conditions:
Primary ciliary dyskinesia 30. Also called: CILIARY DYSKINESIA, PRIMARY, 30, WITH OR WITHOUT SITUS INVERSUS. Identifiers: Orphanet 244, MedGen C4015016, MONDO:0014465, OMIM 616037.

Submissions (2):

Labcorp Genetics (formerly Invitae), Labcorp
Classification: Pathogenic for Primary ciliary dyskinesia 30. Last evaluated: 2022-04-10. Review status: criteria provided, single submitter. Criteria: Invitae Variant Classification Sherloc (09022015). Collection method: clinical testing. Allele origin: germline.
Comment: This sequence change creates a premature translational stop signal (p.Arg85Glyfs*31) in the CCDC151 gene. It is expected to result in an absent or disrupted protein product. Loss-of-function variants in CCDC151 are known to be pathogenic (PMID: 25192045). This variant is not present in population databases (gnomAD no frequency). This variant has not been reported in the literature in individuals affected with CCDC151-related conditions. Algorithms developed to predict the effect of sequence changes on RNA splicing suggest that this variant may create or strengthen a splice site. For these reasons, this variant has been classified as Pathogenic.

Juno Genomics, Hangzhou Juno Genomics, Inc
Classification: Likely pathogenic for Primary ciliary dyskinesia 30. Review status: criteria provided, single submitter. Criteria: ACMG Guidelines, 2015. Collection method: clinical testing. Allele origin: germline. Affected: yes.
Comment: Absent from controls (or at extremely low frequency if recessive) in Genome Aggregation Database, Exome Sequencing Project, 1000 Genomes Project, or Exome Aggregation Consortium.;Null variant in a gene where loss of function (LOF) is a known mechanism of disease.

Literature cited by the submitters: PubMed 25192045 (cited by Labcorp Genetics (formerly Invitae), Labcorp).

NM_145045.5(ODAD3):c.253del (p.Arg85fs)

Gene: ODAD3 (outer dynein arm docking complex subunit 3; minus strand). Cytogenetic location: 19p13.2.
Variant type: Deletion.
Coding change: c.253del on transcript NM_145045.5 (MANE Select); coding-DNA position 253, one base deleted (C; older notation c.253delC).
Protein change: p.Arg85fs; shifts the reading frame from arginine 85.
Molecular consequence: frameshift variant.
Genome position (GRCh38, 1-based): chr19:11,431,012, G deleted on the plus strand (C on the coding strand, the reverse complement: ODAD3 is on the minus strand); the first of 2 consecutive G bases (chr19:11,431,012-11,431,013); deleting either gives the same sequence. VCF-style (leftmost placement, unchanged base first): chr19-11431011-CG-C. GRCh37 (hg19) VCF-style: chr19-11541831-CG-C.
Other names: c.91del, p.Arg31fs (NM_001302453.1); c.253del, p.Arg85fs (NM_001302454.2); short protein forms R85fs, R31fs.
Identifiers: ClinVar variation 1983184 (VCV001983184.6), dbSNP rs2512487710, ClinGen allele CA2576629894.